The following is an entry in ClinVar:

ClinVar aggregate classification (germline): Uncertain significance (1 of 4 stars; one submission).

Conditions:
Myofibrillar myopathy 5. Also called: FILAMINOPATHY, AUTOSOMAL DOMINANT; Filaminopathy (type). Identifiers: Orphanet 171445, MedGen C1836050, MONDO:0012289, OMIM 609524.
Distal myopathy with posterior leg and anterior hand involvement. Also called: WILLIAMS DISTAL MYOPATHY. Identifiers: Orphanet 63273, MedGen C3279722, MONDO:0013550, OMIM 614065.
Hypertrophic cardiomyopathy 26. Also called: Cardiomyopathy, familial hypertrophic, 26. Identifiers: Orphanet 75249, MedGen C4310749, MONDO:0014883, OMIM 617047.

Allele frequency attached by ClinVar (database versions not stated): gnomAD exomes below 0.00001.
gnomAD v4.1: 1 of 1,614,044 alleles (0.000062%); highest among the groups gnomAD compares: Non-Finnish European, 0.000085%; no homozygotes.

Submission:

Labcorp Genetics (formerly Invitae), Labcorp
Classification: Uncertain significance for Distal myopathy with posterior leg and anterior hand involvement; Myofibrillar myopathy 5; Hypertrophic cardiomyopathy 26. Last evaluated: 2019-12-24. Review status: criteria provided, single submitter. Criteria: Invitae Variant Classification Sherloc (09022015). Collection method: clinical testing. Allele origin: germline.
Comment: In summary, the available evidence is currently insufficient to determine the role of this variant in disease. Therefore, it has been classified as a Variant of Uncertain Significance. Algorithms developed to predict the effect of missense changes on protein structure and function are either unavailable or do not agree on the potential impact of this missense change (SIFT: "Deleterious"; PolyPhen-2: "Probably Damaging"; Align-GVGD: "Class C0"). This variant has not been reported in the literature in individuals with FLNC-related conditions. This variant is not present in population databases (ExAC no frequency). This sequence change replaces phenylalanine with serine at codon 1785 of the FLNC protein (p.Phe1785Ser). The phenylalanine residue is moderately conserved and there is a large physicochemical difference between phenylalanine and serine.

NM_001458.5(FLNC):c.5354T>C (p.Phe1785Ser)

Genes: FLNC-AS1 (FLNC antisense RNA 1; minus strand), FLNC (filamin C; plus strand). Cytogenetic location: 7q32.1.
Variant type: single nucleotide variant.
Coding change: c.5354T>C on transcript NM_001458.5 (MANE Select); coding-DNA position 5354, T replaced by C.
Protein change: p.Phe1785Ser; replaces phenylalanine 1785 with serine.
Molecular consequence: missense variant.
Genome position (GRCh38, 1-based): chr7:128,850,439, T>C. VCF-style: chr7-128850439-T-C. GRCh37 (hg19) VCF-style: chr7-128490493-T-C.
Other names: c.5255T>C, p.Phe1752Ser (NM_001127487.2); short protein forms F1752S, F1785S.
Identifiers: ClinVar variation 849392 (VCV000849392.11), dbSNP rs1808758860, ClinGen allele CA369205171.
Genomic context (GRCh38, chr7:128,850,439, plus strand): 5'-TGCAGGCCACAGAGGAGCCAGTGGTGCCTGTGGAGCCAATGGAGTCCATGCTGAGGCCCT[T>C]CAACCTGGTCATCCCCTTCGCGGTGCAGAAAGGGGAGCTCACAGGTACTGCCCTGTGGCT-3'
Protein context (NP_001449.3, residues 1775-1795): VEPMESMLRP[Phe1785Ser]NLVIPFAVQK